The following is an entry in ClinVar:

NM_000388.4(CASR):c.2332G>A (p.Gly778Ser)

Gene: CASR (calcium sensing receptor; plus strand). Cytogenetic location: 3q21.1.
Variant type: single nucleotide variant.
Coding change: c.2332G>A on transcript NM_000388.4 (MANE Select); coding-DNA position 2332, G replaced by A.
Protein change: p.Gly778Ser; replaces glycine 778 with serine.
Molecular consequence: missense variant.
Genome position (GRCh38, 1-based): chr3:122,284,286, G>A. VCF-style: chr3-122284286-G-A. GRCh37 (hg19) VCF-style: chr3-122003133-G-A.
Other names: c.2362G>A, p.Gly788Ser (NM_001178065.2); short protein forms G778S, G788S.
Identifiers: ClinVar variation 1484763 (VCV001484763.6), dbSNP rs1479933693, ClinGen allele CA354159548.
Genomic context (GRCh38, chr3:122,284,286, plus strand): 5'-GATGAGATCATCTTCATCACGTGCCACGAGGGCTCCCTCATGGCCCTGGGCTTCCTGATC[G>A]GCTACACCTGCCTGCTGGCTGCCATCTGCTTCTTCTTTGCCTTCAAGTCCCGGAAGCTGC-3'
Protein context (NP_000379.3, residues 768-788): GSLMALGFLI[Gly778Ser]YTCLLAAICF

ClinVar aggregate classification (germline): Uncertain significance (1 of 4 stars; one submission).

Conditions:
Familial hypocalciuric hypercalcemia (FHH). Also called: Familial benign hypercalcemia. Identifiers: Orphanet 405, MedGen C1809471, MONDO:0018458.
Autosomal dominant hypocalcemia 1 (HYPOC1). Also called: HYPOCALCEMIA, FAMILIAL. Identifiers: MedGen C3715128, MONDO:0011013, OMIM 601198.

Allele frequency attached by ClinVar (database versions not stated): TOPMed below 0.00001; gnomAD 0.00001; gnomAD exomes 0.00001.
gnomAD v4.1: 8 of 1,613,948 alleles (0.0005%); highest among the groups gnomAD compares: Non-Finnish European, 0.00068%; no homozygotes.

Submission:

Labcorp Genetics (formerly Invitae), Labcorp
Classification: Uncertain significance for Familial hypocalciuric hypercalcemia; Autosomal dominant hypocalcemia 1. Last evaluated: 2022-05-21. Review status: criteria provided, single submitter. Criteria: Invitae Variant Classification Sherloc (09022015). Collection method: clinical testing. Allele origin: germline.
Comment: This variant is present in population databases (no rsID available, gnomAD 0.002%). This sequence change replaces glycine, which is neutral and non-polar, with serine, which is neutral and polar, at codon 778 of the CASR protein (p.Gly778Ser). This variant has not been reported in the literature in individuals affected with CASR-related conditions. In summary, the available evidence is currently insufficient to determine the role of this variant in disease. Therefore, it has been classified as a Variant of Uncertain Significance. Algorithms developed to predict the effect of sequence changes on RNA splicing suggest that this variant may create or strengthen a splice site. Algorithms developed to predict the effect of missense changes on protein structure and function (SIFT, PolyPhen-2, Align-GVGD) all suggest that this variant is likely to be disruptive.